The following is an entry in ClinVar:

NM_015693.4(INTU):c.2267T>C (p.Leu756Pro)

Gene: INTU (inturned planar cell polarity protein; plus strand). Cytogenetic location: 4q28.1.
Variant type: single nucleotide variant.
Coding change: c.2267T>C on transcript NM_015693.4 (MANE Select); coding-DNA position 2267, T replaced by C.
Protein change: p.Leu756Pro; replaces leucine 756 with proline.
Molecular consequence: missense variant.
Genome position (GRCh38, 1-based): chr4:127,706,965, T>C. VCF-style: chr4-127706965-T-C. GRCh37 (hg19) VCF-style: chr4-128628120-T-C.
Other names: short protein forms L756P.
Identifiers: ClinVar variation 1358779 (VCV001358779.6), dbSNP rs141542449, ClinGen allele CA3075278.

ClinVar aggregate classification (germline): Uncertain significance (1 of 4 stars; one submission).

Allele frequency attached by ClinVar (database versions not stated): TOPMed 0.00020; ESP Exome Variant Server 0.00023; gnomAD 0.00029 and 0.00031; gnomAD exomes 0.00029 and 0.00046; ExAC 0.00037.
gnomAD v4.1: 695 of 1,611,790 alleles (0.043%); highest among the groups gnomAD compares: Non-Finnish European, 0.05%; 2 homozygotes.

Submission:

Labcorp Genetics (formerly Invitae), Labcorp
Classification: Uncertain significance. Last evaluated: 2026-01-27. Review status: criteria provided, single submitter. Criteria: Invitae Variant Classification Sherloc (09022015). Collection method: clinical testing. Allele origin: germline.
Comment: This sequence change replaces leucine, which is neutral and non-polar, with proline, which is neutral and non-polar, at codon 756 of the INTU protein (p.Leu756Pro). This variant is present in population databases (rs141542449, gnomAD 0.1%), and has an allele count higher than expected for a pathogenic variant. This variant has not been reported in the literature in individuals affected with INTU-related conditions. ClinVar contains an entry for this variant (Variation ID: 1358779). Invitae Evidence Modeling of protein sequence and biophysical properties (such as structural, functional, and spatial information, amino acid conservation, physicochemical variation, residue mobility, and thermodynamic stability) indicates that this missense variant is not expected to disrupt INTU protein function with a negative predictive value of 80%. In summary, the available evidence is currently insufficient to determine the role of this variant in disease. Therefore, it has been classified as a Variant of Uncertain Significance.